The following is an entry in ClinVar:

ClinVar aggregate classification (germline): Uncertain significance (1 of 4 stars; one submission).

Submission:

Labcorp Genetics (formerly Invitae), Labcorp
Classification: Uncertain significance. Last evaluated: 2025-03-31. Review status: criteria provided, single submitter. Criteria: Invitae Variant Classification Sherloc (09022015). Collection method: clinical testing. Allele origin: germline.
Comment: This sequence change replaces leucine, which is neutral and non-polar, with valine, which is neutral and non-polar, at codon 281 of the GPR88 protein (p.Leu281Val). This variant is not present in population databases (gnomAD no frequency). This variant has not been reported in the literature in individuals affected with GPR88-related conditions. Experimental studies and prediction algorithms are not available or were not evaluated, and the functional significance of this variant is currently unknown. In summary, the available evidence is currently insufficient to determine the role of this variant in disease. Therefore, it has been classified as a Variant of Uncertain Significance.

NM_022049.3(GPR88):c.841C>G (p.Leu281Val)

Gene: GPR88 (G protein-coupled receptor 88; plus strand). Cytogenetic location: 1p21.2.
Variant type: single nucleotide variant.
Coding change: c.841C>G on transcript NM_022049.3 (MANE Select); coding-DNA position 841, C replaced by G.
Protein change: p.Leu281Val; replaces leucine 281 with valine.
Molecular consequence: missense variant.
Genome position (GRCh38, 1-based): chr1:100,539,807, C>G. VCF-style: chr1-100539807-C-G. GRCh37 (hg19) VCF-style: chr1-101005363-C-G.
Other names: short protein forms L281V.
Identifiers: ClinVar variation 3697414 (VCV003697414.2).